The following is an entry in ClinVar:

ClinVar aggregate classification (germline): Uncertain significance. Review status: criteria provided, multiple submitters, no conflicts (2 of 4 stars). 2 submissions from 2 submitters: Uncertain significance (2). Last evaluated 2021-05-28.

Conditions:
Hereditary cancer-predisposing syndrome. Also called: Tumor predisposition; Hereditary neoplastic syndrome; Neoplastic Syndromes, Hereditary; Hereditary Cancer Syndrome. Identifiers: Orphanet 140162, MedGen C0027672, MeSH D009386, MONDO:0015356.
Familial adenomatous polyposis 1 (FAP1). Also called: FAMILIAL ADENOMATOUS POLYPOSIS 1, ATTENUATED; POLYPOSIS, ADENOMATOUS INTESTINAL. Identifiers: MedGen C2713442, MONDO:0021056, OMIM 175100. Disease mechanism: loss of function.

gnomAD v4.1: 1 of 1,614,174 alleles (0.000062%); highest among the groups gnomAD compares: Non-Finnish European, 0.000085%; no homozygotes.

Submissions (2):

Labcorp Genetics (formerly Invitae), Labcorp
Classification: Uncertain significance for Familial adenomatous polyposis 1. Last evaluated: 2021-05-28. Review status: criteria provided, single submitter. Criteria: Invitae Variant Classification Sherloc (09022015). Collection method: clinical testing. Allele origin: germline.
Comment: Algorithms developed to predict the effect of missense changes on protein structure and function are either unavailable or do not agree on the potential impact of this missense change (SIFT: "Deleterious"; PolyPhen-2: "Probably Damaging"; Align-GVGD: "Class C0"). In summary, the available evidence is currently insufficient to determine the role of this variant in disease. Therefore, it has been classified as a Variant of Uncertain Significance. This variant has not been reported in the literature in individuals with APC-related conditions. This variant is not present in population databases (ExAC no frequency). This sequence change replaces leucine with valine at codon 1337 of the APC protein (p.Leu1337Val). The leucine residue is highly conserved and there is a small physicochemical difference between leucine and valine.

Ambry Genetics
Classification: Uncertain significance for Hereditary cancer-predisposing syndrome. Last evaluated: 2021-01-06. Review status: criteria provided, single submitter. Criteria: Ambry Variant Classification Scheme 2023. Collection method: clinical testing. Allele origin: germline.
Comment: The p.L1337V variant (also known as c.4009C>G), located in coding exon 15 of the APC gene, results from a C to G substitution at nucleotide position 4009. The leucine at codon 1337 is replaced by valine, an amino acid with highly similar properties. This amino acid position is well conserved in available vertebrate species. In addition, in silico predictors for this gene do not accurately predict pathogenicity. Since supporting evidence is limited at this time, the clinical significance of this alteration remains unclear.

NM_000038.6(APC):c.4009C>G (p.Leu1337Val)

Gene: APC (APC regulator of Wnt signaling pathway; plus strand). Cytogenetic location: 5q22.2.
Variant type: single nucleotide variant.
Coding change: c.4009C>G on transcript NM_000038.6 (MANE Select); coding-DNA position 4009, C replaced by G.
Protein change: p.Leu1337Val; replaces leucine 1337 with valine.
Molecular consequence: missense variant.
Genome position (GRCh38, 1-based): chr5:112,839,603, C>G. VCF-style: chr5-112839603-C-G. GRCh37 (hg19) VCF-style: chr5-112175300-C-G.
Other names: c.4009C>G, p.Leu1337Val (NM_001127510.3, NM_001354895.2); c.3955C>G, p.Leu1319Val (NM_001127511.3); c.4063C>G, p.Leu1355Val (NM_001354896.2); c.4039C>G, p.Leu1347Val (NM_001354897.2); c.3934C>G, p.Leu1312Val (NM_001354898.2); c.3925C>G, p.Leu1309Val (NM_001354899.2); c.3886C>G, p.Leu1296Val (NM_001354900.2); c.3832C>G, p.Leu1278Val (NM_001354901.2); and 5 more; short protein forms L1309V, L1312V, L1347V, L1054V, L1211V, L1278V, L1296V, L1236V.
Identifiers: ClinVar variation 1356923 (VCV001356923.10), dbSNP rs1554085448, ClinGen allele CA16030124.